The following is an entry in ClinVar:

NM_004370.6(COL12A1):c.5115T>G (p.Asp1705Glu)

Gene: COL12A1 (collagen type XII alpha 1 chain; minus strand). Cytogenetic location: 6q13.
Variant type: single nucleotide variant.
Coding change: c.5115T>G on transcript NM_004370.6 (MANE Select); coding-DNA position 5115, T replaced by G.
Protein change: p.Asp1705Glu; replaces aspartic acid 1705 with glutamic acid.
Molecular consequence: missense variant.
Genome position (GRCh38, 1-based): chr6:75,138,563, A>C on the plus strand (T>G on the coding strand, the complement: COL12A1 is on the minus strand). VCF-style: chr6-75138563-A-C. GRCh37 (hg19) VCF-style: chr6-75848279-A-C.
Other names: c.1623T>G, p.Asp541Glu (NM_080645.3); short protein forms D1705E, D541E.
Identifiers: ClinVar variation 1715346 (VCV001715346.6), dbSNP rs2533318227, ClinGen allele CA364739324.

ClinVar aggregate classification (germline): Uncertain significance (1 of 4 stars; one submission).

Conditions:
Ullrich congenital muscular dystrophy 2 (UCMD2). Identifiers: Orphanet 75840, MedGen C4225314, MONDO:0014654, OMIM 616470.
Bethlem myopathy 2 (BTHLM2). Identifiers: Orphanet 536516, Orphanet 610, MedGen C4225313, MONDO:0034022, OMIM 616471.

Submission:

Labcorp Genetics (formerly Invitae), Labcorp
Classification: Uncertain significance for Bethlem myopathy 2; Ullrich congenital muscular dystrophy 2. Last evaluated: 2022-08-06. Review status: criteria provided, single submitter. Criteria: Invitae Variant Classification Sherloc (09022015). Collection method: clinical testing. Allele origin: germline.
Comment: In summary, the available evidence is currently insufficient to determine the role of this variant in disease. Therefore, it has been classified as a Variant of Uncertain Significance. Algorithms developed to predict the effect of missense changes on protein structure and function are either unavailable or do not agree on the potential impact of this missense change (SIFT: "Deleterious"; PolyPhen-2: "Benign"; Align-GVGD: "Class C0"). This variant has not been reported in the literature in individuals affected with COL12A1-related conditions. This variant is not present in population databases (gnomAD no frequency). This sequence change replaces aspartic acid, which is acidic and polar, with glutamic acid, which is acidic and polar, at codon 1705 of the COL12A1 protein (p.Asp1705Glu).